The following is an entry in ClinVar:

NM_152383.5(DIS3L2):c.305G>C (p.Arg102Pro)

Gene: DIS3L2 (DIS3 like 3'-5' exoribonuclease 2; plus strand). Cytogenetic location: 2q37.1.
Variant type: single nucleotide variant.
Coding change: c.305G>C on transcript NM_152383.5 (MANE Select); coding-DNA position 305, G replaced by C.
Protein change: p.Arg102Pro; replaces arginine 102 with proline.
Molecular consequence: missense variant. On other transcripts: non-coding transcript variant (2).
Genome position (GRCh38, 1-based): chr2:232,030,019, G>C. VCF-style: chr2-232030019-G-C. GRCh37 (hg19) VCF-style: chr2-232894729-G-C.
Other names: c.305G>C, p.Arg102Pro (NM_001257281.2, NM_001257282.2); short protein forms R102P.
Identifiers: ClinVar variation 410747 (VCV000410747.14), dbSNP rs372013568, ClinGen allele CA2163790.
Genomic context (GRCh38, chr2:232,030,019, plus strand): 5'-TATTTCTTTTTCCAACCTAGGATGGTGATCGAGACATTTTTATTGATGGGGTTGTTGCTC[G>C]TAATAGAGCCTTAAATGGGGATCTGGTGGTCGTGAAACTGCTTCCCGAGGAGCATTGGAA-3'
Protein context (NP_689596.4, residues 92-112): RDIFIDGVVA[Arg102Pro]NRALNGDLVV

ClinVar aggregate classification (germline): Uncertain significance. Review status: criteria provided, multiple submitters, no conflicts (2 of 4 stars). 3 submissions from 3 submitters: Uncertain significance (3). Last evaluated 2025-09-30.

Conditions:
Perlman syndrome (PRLMNS). Identifiers: Orphanet 2849, MedGen C0796113, MONDO:0009965, OMIM 267000.

Allele frequency attached by ClinVar (database versions not stated): gnomAD 0.00003; TOPMed 0.00003; ESP Exome Variant Server 0.00008.
gnomAD v4.1: 27 of 1,608,844 alleles (0.0017%); highest among the groups gnomAD compares: Non-Finnish European, 0.00034%; no homozygotes.

Submissions (3):

Labcorp Genetics (formerly Invitae), Labcorp
Classification: Uncertain significance for Perlman syndrome. Last evaluated: 2025-09-30. Review status: criteria provided, single submitter. Criteria: Invitae Variant Classification Sherloc (09022015). Collection method: clinical testing. Allele origin: germline.
Comment: This sequence change replaces arginine, which is basic and polar, with proline, which is neutral and non-polar, at codon 102 of the DIS3L2 protein (p.Arg102Pro). This variant is present in population databases (rs372013568, gnomAD 0.07%). This variant has not been reported in the literature in individuals affected with DIS3L2-related conditions. ClinVar contains an entry for this variant (Variation ID: 410747). Invitae Evidence Modeling of protein sequence and biophysical properties (such as structural, functional, and spatial information, amino acid conservation, physicochemical variation, residue mobility, and thermodynamic stability) indicates that this missense variant is expected to disrupt DIS3L2 protein function with a positive predictive value of 80%. RNA analysis performed to evaluate the impact of this missense change on mRNA splicing indicates it does not significantly alter splicing (internal data). In summary, the available evidence is currently insufficient to determine the role of this variant in disease. Therefore, it has been classified as a Variant of Uncertain Significance.

Sema4
Classification: Uncertain significance for Perlman syndrome. Last evaluated: 2022-02-03. Review status: criteria provided, single submitter. Criteria: Sema4 Curation Guidelines. Collection method: curation. Allele origin: germline.
Comment: The DIS3L2 c.305G>C (p.R102P) variant has not been reported in the literature to our knowledge. It was observed in 7/10292 chromosomes of the Ashkenazi Jewish subpopulation in the large and broad cohorts of the Genome Aggregation Database (PMID: 32461654). This variant has been reported in ClinVar (Variation ID 410747). In silico tools suggest the impact of the variant on protein function is deleterious, though these predictions have not been confirmed by functional studies. The evidence is insufficient to meet ACMG/AMP criteria for classifying the variant as benign or pathogenic. Thus, the clinical significance of this variant is currently uncertain.

Illumina Laboratory Services, Illumina
Classification: Uncertain significance for Perlman syndrome. Last evaluated: 2018-01-13. Review status: criteria provided, single submitter. Criteria: ICSL Variant Classification Criteria 13 December 2019. Collection method: clinical testing. Allele origin: germline.